The following is an entry in ClinVar:

NM_177924.5(ASAH1):c.458-44A>G

Gene: ASAH1 (N-acylsphingosine amidohydrolase 1; minus strand). Cytogenetic location: 8p22.
Variant type: single nucleotide variant.
Coding change: c.458-44A>G on transcript NM_177924.5 (MANE Select); 44 bases into the intron before coding-DNA position 458, A replaced by G.
Molecular consequence: intron variant.
Genome position (GRCh38, 1-based): chr8:18,063,274, T>C on the plus strand (A>G on the coding strand, the complement: ASAH1 is on the minus strand). VCF-style: chr8-18063274-T-C. GRCh37 (hg19) VCF-style: chr8-17920783-T-C.
Other names: c.506-44A>G (NM_004315.6); c.440-44A>G (NM_001127505.3); c.263-44A>G (NM_001363743.2).
Identifiers: ClinVar variation 679651 (VCV000679651.2), dbSNP rs6998108, ClinGen allele CA4650832.

ClinVar aggregate classification (germline): Benign. Review status: criteria provided, multiple submitters, no conflicts (2 of 4 stars). 2 submissions from 2 submitters: Benign (2). Last evaluated 2018-06-18.

Allele frequency attached by ClinVar (database versions not stated): gnomAD exomes 0.01016; ExAC 0.01135; gnomAD 0.01874 and 0.01920; TOPMed 0.02013; ESP Exome Variant Server 0.02137; 1000 Genomes Project 0.02276; 1000 Genomes Project 30x 0.02295.
gnomAD v4.1: 9,873 of 1,513,942 alleles (0.65%); highest among the groups gnomAD compares: African/African-American, 5.7%; 216 homozygotes.

Submissions (2):

GeneDx
Classification: Benign. Last evaluated: 2018-06-18. Review status: criteria provided, single submitter. Criteria: GeneDx Variant Classification (06012015). Collection method: clinical testing. Allele origin: germline. Affected: yes.
Comment: This variant is considered likely benign or benign based on one or more of the following criteria: it is a conservative change, it occurs at a poorly conserved position in the protein, it is predicted to be benign by multiple in silico algorithms, and/or has population frequency not consistent with disease.

Breakthrough Genomics
Classification: Benign. Review status: criteria provided, single submitter. Criteria: ACMG Guidelines, 2015. Collection method: not provided. Allele origin: germline. Inheritance: Autosomal recessive inheritance. Affected: yes.